The following is an entry in ClinVar:

ClinVar aggregate classification (germline): Pathogenic (1 of 4 stars; one submission).

Submission:

Labcorp Genetics (formerly Invitae), Labcorp
Classification: Pathogenic. Last evaluated: 2023-10-23. Review status: criteria provided, single submitter. Criteria: Invitae Variant Classification Sherloc (09022015). Collection method: clinical testing. Allele origin: germline.
Comment: This sequence change creates a premature translational stop signal (p.Gly51Valfs*28) in the COL4A5 gene. It is expected to result in an absent or disrupted protein product. Loss-of-function variants in COL4A5 are known to be pathogenic (PMID: 9195222, 10752524, 14514738, 24854265, 26809805). This variant is not present in population databases (gnomAD no frequency). This premature translational stop signal has been observed in individual(s) with Alport syndrome (PMID: 29270492). For these reasons, this variant has been classified as Pathogenic.

Literature cited by the submitters: PubMed 9195222; PubMed 10752524; PubMed 14514738; PubMed 24854265; PubMed 26809805; PubMed 29270492.

NM_033380.3(COL4A5):c.150_151del (p.Gly51fs)

Gene: COL4A5 (collagen type IV alpha 5 chain; plus strand). Cytogenetic location: Xq22.3.
Variant type: Microsatellite.
Coding change: c.150_151del on transcript NM_033380.3 (MANE Select); coding-DNA positions 150 to 151, 2 bases deleted (AG; older notation c.150_151delAG).
Protein change: p.Gly51fs; shifts the reading frame from glycine 51.
Molecular consequence: frameshift variant.
Genome position (GRCh38, 1-based): chrX:108,559,072-108,559,073, AG deleted; deleting any 2 consecutive bases within chrX:108,559,065-108,559,073 gives the same sequence; the c. name uses the placement nearest the transcript's 3' end. VCF-style (leftmost placement, unchanged base first): chrX-108559064-GGA-G. GRCh37 (hg19) VCF-style: chrX-107802294-GGA-G.
Other names: c.150_151del, p.Gly51fs (NM_000495.5); short protein forms G51fs.
Identifiers: ClinVar variation 2884115 (VCV002884115.3), dbSNP rs2524162277, ClinGen allele CA2579675721.